The following is an entry in ClinVar:

NM_000143.4(FH):c.1094G>A (p.Ser365Asn)

Gene: FH (fumarate hydratase; minus strand). Cytogenetic location: 1q43.
Variant type: single nucleotide variant.
Coding change: c.1094G>A on transcript NM_000143.4 (MANE Select); coding-DNA position 1094, G replaced by A.
Protein change: p.Ser365Asn; replaces serine 365 with asparagine.
Molecular consequence: missense variant.
Genome position (GRCh38, 1-based): chr1:241,504,056, C>T on the plus strand (G>A on the coding strand, the complement: FH is on the minus strand). VCF-style: chr1-241504056-C-T. GRCh37 (hg19) VCF-style: chr1-241667356-C-T.
Other names: short protein forms S365N.
Identifiers: ClinVar variation 429174 (VCV000429174.15), dbSNP rs1131691238, ClinGen allele CA345437940.

ClinVar aggregate classification (germline): Pathogenic/Likely pathogenic. Review status: criteria provided, multiple submitters, no conflicts (2 of 4 stars). 3 submissions from 3 submitters: Pathogenic (2); Likely pathogenic (1). Last evaluated 2026-06-22.

Conditions:
Hereditary cancer-predisposing syndrome. Also called: Neoplastic Syndromes, Hereditary; Hereditary neoplastic syndrome; Hereditary Cancer Syndrome; Tumor predisposition. Identifiers: Orphanet 140162, MedGen C0027672, MeSH D009386, MONDO:0015356.
Hereditary leiomyomatosis and renal cell cancer. Also called: MULTIPLE CUTANEOUS AND UTERINE LEIOMYOMATA 1, WITH OR WITHOUT RENAL CELL CARCINOMA; Cutaneous leiomyomata with uterine leiomyomata; Leiomyoma, hereditary multiple, of skin; Reed syndrome; Multiple cutaneous and uterine leiomyomatosis; Multiple cutaneous and uterine leiomyomata. Identifiers: Orphanet 523, MedGen C1708350, MONDO:0007888, OMIM 150800, HP:0007437. Disease mechanism: loss of function.

Allele frequency attached by ClinVar (database versions not stated): gnomAD exomes below 0.00001.
gnomAD v4.1: 3 of 1,614,102 alleles (0.00019%); highest among the groups gnomAD compares: Non-Finnish European, 0.00017%; no homozygotes.

Submissions (3):

Women's Health and Genetics/Laboratory Corporation of America, LabCorp
Classification: Pathogenic for Hereditary leiomyomatosis and renal cell cancer. Last evaluated: 2026-06-22. Review status: criteria provided, single submitter. Criteria: LabCorp Variant Classification Summary - May 2015. Collection method: clinical testing. Allele origin: germline.
Comment: Variant summary: FH c.1094G>A (p.Ser365Asn) results in a conservative amino acid change in the encoded protein sequence. Algorithms developed to predict the effect of missense changes on protein structure and function are either unavailable or do not agree on the potential impact of this missense change. The variant was absent in 251080 control chromosomes (gnomAD). c.1094G>A has been observed in individuals affected with features of Hereditary Leiomyomatosis And Renal Cell Cancer (e.g. Forde_2020, Chen_2025, internal data). These data indicate that the variant is likely to be associated with disease. A different variant affecting the same codon has been classified as pathogenic by our lab (c.1093A>G, p.Ser365Gly), supporting the critical relevance of codon 365 to FH protein function. The following publications have been ascertained in the context of this evaluation (PMID: 31831373, 41121474). ClinVar contains an entry for this variant (Variation ID: 429174). Based on the evidence outlined above, the variant was classified as pathogenic.

Ambry Genetics
Classification: Likely pathogenic for Hereditary cancer-predisposing syndrome. Last evaluated: 2026-06-15. Review status: criteria provided, single submitter. Criteria: Ambry Variant Classification Scheme 2023. Collection method: clinical testing. Allele origin: germline.
Comment: The p.S365N variant (also known as c.1094G>A), located in coding exon 7 of the FH gene, results from a G to A substitution at nucleotide position 1094. The serine at codon 365 is replaced by asparagine, an amino acid with highly similar properties. This variant was reported in individual(s) with features consistent with FH-related tumor predisposition (Ambry internal data; Forde C et al. Eur Urol Oncol, 2020 Dec;3:764-772). Internal structural analysis indicates that this variant disrupts a specific protein-ligand interaction involved with fumarate-binding and protein function (Ambry internal data; Pereira de P&aacute;dua RA et al. Acta Crystallogr F Struct Biol Commun, 2014 Jan;70:120-2; Mechaly AE et al. FEBS Lett., 2012 Jun;586:1606-11). This amino acid position is highly conserved in available vertebrate species. In addition, this alteration is predicted to be deleterious by in silico analysis. This variant is considered to be rare based on population cohorts in the Genome Aggregation Database (gnomAD). Based on the majority of available evidence to date, this variant is likely to be pathogenic.

Labcorp Genetics (formerly Invitae), Labcorp
Classification: Pathogenic. Last evaluated: 2021-08-28. Review status: criteria provided, single submitter. Criteria: Invitae Variant Classification Sherloc (09022015). Collection method: clinical testing. Allele origin: germline.
Comment: For these reasons, this variant has been classified as Pathogenic. This variant disrupts the p.Ser365 amino acid residue in FH. Other variant(s) that disrupt this residue have been determined to be pathogenic (PMID: 12772087, 22243733, 22565324). This suggests that this residue is clinically significant, and that variants that disrupt this residue are likely to be disease-causing. Advanced modeling of protein sequence and biophysical properties (such as structural, functional, and spatial information, amino acid conservation, physicochemical variation, residue mobility, and thermodynamic stability) performed at Invitae indicates that this missense variant is expected to disrupt FH protein function. ClinVar contains an entry for this variant (Variation ID: 429174). This missense change has been observed in individual(s) with clinical features of hereditary leiomyomatosis and renal cell cancer syndrome (PMID: 31831373; Invitae). It has also been observed to segregate with disease in related individuals. This variant is not present in population databases (ExAC no frequency). This sequence change replaces serine with asparagine at codon 365 of the FH protein (p.Ser365Asn). The serine residue is highly conserved and there is a small physicochemical difference between serine and asparagine.

Literature cited by the submitters: PubMed 31831373 (cited by 3 submitters); PubMed 41121474 (cited by Women's Health and Genetics/Laboratory Corporation of America, LabCorp); PubMed 22561013 (cited by Ambry Genetics); PubMed 24419633 (cited by Ambry Genetics); PubMed 12772087 (cited by Labcorp Genetics (formerly Invitae), Labcorp); PubMed 22243733 (cited by Labcorp Genetics (formerly Invitae), Labcorp); PubMed 22565324 (cited by Labcorp Genetics (formerly Invitae), Labcorp).